The following is an entry in ClinVar:

NM_014679.5(CEP57):c.819G>C (p.Arg273Ser)

Gene: CEP57 (centrosomal protein 57; plus strand). Cytogenetic location: 11q21.
Variant type: single nucleotide variant.
Coding change: c.819G>C on transcript NM_014679.5 (MANE Select); coding-DNA position 819, G replaced by C.
Protein change: p.Arg273Ser; replaces arginine 273 with serine.
Molecular consequence: missense variant. On other transcripts: intron variant (1).
Genome position (GRCh38, 1-based): chr11:95,822,510, G>C. VCF-style: chr11-95822510-G-C. GRCh37 (hg19) VCF-style: chr11-95555674-G-C.
Other names: c.792G>C, p.Arg264Ser (NM_001243776.2); c.738G>C, p.Arg246Ser (NM_001363604.2); c.807+532G>C (NM_001243777.2); short protein forms R264S, R246S, R273S.
Identifiers: ClinVar variation 4001065 (VCV004001065.1).

ClinVar aggregate classification (germline): Uncertain significance (1 of 4 stars; one submission).

Conditions:
Inborn genetic diseases. Identifiers: MedGen C0950123, MeSH D030342.

gnomAD v4.1: 9 of 1,612,794 alleles (0.00056%); highest among the groups gnomAD compares: Non-Finnish European, 0.00076%; no homozygotes.

Submission:

Ambry Genetics
Classification: Uncertain significance for Inborn genetic diseases. Last evaluated: 2025-05-29. Review status: criteria provided, single submitter. Criteria: Ambry Variant Classification Scheme 2023. Collection method: clinical testing. Allele origin: germline.
Comment: The p.R273S variant (also known as c.819G>C), located in coding exon 8 of the CEP57 gene, results from a G to C substitution at nucleotide position 819. The arginine at codon 273 is replaced by serine, an amino acid with dissimilar properties. This amino acid position is conserved. In addition, this alteration is predicted to be tolerated by in silico analysis. Based on the available evidence, the clinical significance of this variant remains unclear.